The following is an entry in ClinVar:

NM_001130987.2(DYSF):c.1577-1825A>G

Gene: DYSF (dysferlin; plus strand). Cytogenetic location: 2p13.2.
Variant type: single nucleotide variant.
Coding change: c.1577-1825A>G on transcript NM_001130987.2 (MANE Select); 1825 bases into the intron before coding-DNA position 1577, A replaced by G.
Molecular consequence: intron variant.
Genome position (GRCh38, 1-based): chr2:71,549,216, A>G. VCF-style: chr2-71549216-A-G. GRCh37 (hg19) VCF-style: chr2-71776346-A-G.
Other names: c.1574-134A>G (NM_001130979.2); c.1574-1825A>G (NM_001130981.2, NM_001130980.2); c.1481-134A>G (NM_001130978.2, NM_003494.4); c.1481-1825A>G (NM_001130977.2, NM_001130976.2); c.1577-134A>G (NM_001130982.2); c.1577-1825A>G (NM_001130985.2); c.1484-134A>G (NM_001130983.2, NM_001130455.2); c.1484-1825A>G (NM_001130984.2, NM_001130986.2).
Identifiers: ClinVar variation 679419 (VCV000679419.2), dbSNP rs934061, ClinGen allele CA11228413.

ClinVar aggregate classification (germline): Benign. Review status: criteria provided, multiple submitters, no conflicts (2 of 4 stars). 2 submissions from 2 submitters: Benign (2). Last evaluated 2018-06-14.

Allele frequency attached by ClinVar (database versions not stated): 1000 Genomes Project 0.64716; 1000 Genomes Project 30x 0.65693; gnomAD 0.79791; TOPMed 0.80753.
gnomAD v4.1: 629,532 of 809,884 alleles (78%); highest among the groups gnomAD compares: African/African-American, 89%; 254,273 homozygotes.

Submissions (2):

GeneDx
Classification: Benign. Last evaluated: 2018-06-14. Review status: criteria provided, single submitter. Criteria: GeneDx Variant Classification (06012015). Collection method: clinical testing. Allele origin: germline. Affected: yes.
Comment: This variant is considered likely benign or benign based on one or more of the following criteria: it is a conservative change, it occurs at a poorly conserved position in the protein, it is predicted to be benign by multiple in silico algorithms, and/or has population frequency not consistent with disease.

Breakthrough Genomics
Classification: Benign. Review status: criteria provided, single submitter. Criteria: ACMG Guidelines, 2015. Collection method: not provided. Allele origin: germline. Inheritance: Autosomal recessive inheritance. Affected: yes.